The following is an entry in ClinVar:

ClinVar aggregate classification (germline): Pathogenic/Likely pathogenic. Review status: criteria provided, multiple submitters, no conflicts (2 of 4 stars). 2 submissions from 2 submitters: Pathogenic (1); Likely pathogenic (1). Last evaluated 2024-06-24.

Conditions:
Spastic paraplegia. Identifiers: MedGen C0037772, HP:0001258.
Hereditary spastic paraplegia 15 (SPG15). Also called: SPASTIC PARAPLEGIA 15, AUTOSOMAL RECESSIVE; KJELLIN SYNDROME; SPASTIC PARAPLEGIA AND RETINAL DEGENERATION. Identifiers: Orphanet 100996, MedGen C1849128, MONDO:0010044, OMIM 270700.

Submissions (2):

Fulgent Genetics
Classification: Likely pathogenic for Hereditary spastic paraplegia 15. Last evaluated: 2024-06-24. Review status: criteria provided, single submitter. Criteria: ACMG Guidelines, 2015. Collection method: clinical testing. Allele origin: germline.

Labcorp Genetics (formerly Invitae), Labcorp
Classification: Pathogenic for Spastic paraplegia. Last evaluated: 2021-04-29. Review status: criteria provided, single submitter. Criteria: Invitae Variant Classification Sherloc (09022015). Collection method: clinical testing. Allele origin: germline.
Comment: This sequence change creates a premature translational stop signal (p.Thr2131Profs*2) in the ZFYVE26 gene. It is expected to result in an absent or disrupted protein product. Loss-of-function variants in ZFYVE26 are known to be pathogenic (PMID: 18394578, 19805727). For these reasons, this variant has been classified as Pathogenic. This variant has not been reported in the literature in individuals with ZFYVE26-related conditions. This variant is not present in population databases (ExAC no frequency).

Literature cited by the submitters: PubMed 18394578 (cited by Labcorp Genetics (formerly Invitae), Labcorp); PubMed 19805727 (cited by Labcorp Genetics (formerly Invitae), Labcorp).

NM_015346.4(ZFYVE26):c.6390del (p.Thr2131fs)

Gene: ZFYVE26 (zinc finger FYVE-type containing 26; minus strand). Cytogenetic location: 14q24.1.
Variant type: Deletion.
Coding change: c.6390del on transcript NM_015346.4 (MANE Select); coding-DNA position 6390, one base deleted (C; older notation c.6390delC).
Protein change: p.Thr2131fs; shifts the reading frame from threonine 2131.
Molecular consequence: frameshift variant.
Genome position (GRCh38, 1-based): chr14:67,761,564, G deleted on the plus strand (C on the coding strand, the reverse complement: ZFYVE26 is on the minus strand); the first of 2 consecutive G bases (chr14:67,761,564-67,761,565); deleting either gives the same sequence. VCF-style (leftmost placement, unchanged base first): chr14-67761563-TG-T. GRCh37 (hg19) VCF-style: chr14-68228280-TG-T.
Other names: short protein forms T2131fs.
Identifiers: ClinVar variation 1442056 (VCV001442056.7), dbSNP rs2140192941, ClinGen allele CA2573150114.